The following is an entry in ClinVar:

NM_005045.4(RELN):c.40G>T (p.Ala14Ser)

Gene: RELN (reelin; minus strand). Cytogenetic location: 7q22.1.
Variant type: single nucleotide variant.
Coding change: c.40G>T on transcript NM_005045.4 (MANE Select); coding-DNA position 40, G replaced by T.
Protein change: p.Ala14Ser; replaces alanine 14 with serine.
Molecular consequence: missense variant.
Genome position (GRCh38, 1-based): chr7:103,989,317, C>A on the plus strand (G>T on the coding strand, the complement: RELN is on the minus strand). VCF-style: chr7-103989317-C-A. GRCh37 (hg19) VCF-style: chr7-103629764-C-A.
Other names: c.40G>T, p.Ala14Ser (NM_173054.3); c.40G>T (NM_005045.3); short protein forms A14S.
Identifiers: ClinVar variation 1036788 (VCV001036788.9), dbSNP rs147551940, ClinGen allele CA4422737.

ClinVar aggregate classification (germline): Uncertain significance. Review status: criteria provided, multiple submitters, no conflicts (2 of 4 stars). 2 submissions from 2 submitters: Uncertain significance (2). Last evaluated 2025-04-10.

Conditions:
Norman-Roberts syndrome (LIS2). Also called: Lissencephaly 2 (Norman-Roberts type). Identifiers: Orphanet 89844, MedGen C0796089, MONDO:0009760, OMIM 257320.
Familial temporal lobe epilepsy 7. Identifiers: Orphanet 101046, MedGen C4225327, MONDO:0014639, OMIM 616436.

Allele frequency attached by ClinVar (database versions not stated): TOPMed 0.00001.
gnomAD v4.1: 6 of 1,590,880 alleles (0.00038%); highest among the groups gnomAD compares: Non-Finnish European, 0.00052%; no homozygotes.

Submissions (2):

Labcorp Genetics (formerly Invitae), Labcorp
Classification: Uncertain significance for Familial temporal lobe epilepsy 7; Norman-Roberts syndrome. Last evaluated: 2025-04-10. Review status: criteria provided, single submitter. Criteria: Invitae Variant Classification Sherloc (09022015). Collection method: clinical testing. Allele origin: germline.
Comment: This sequence change replaces alanine, which is neutral and non-polar, with serine, which is neutral and polar, at codon 14 of the RELN protein (p.Ala14Ser). This variant is present in population databases (rs147551940, gnomAD 0.002%). This variant has not been reported in the literature in individuals affected with RELN-related conditions. ClinVar contains an entry for this variant (Variation ID: 1036788). An algorithm developed to predict the effect of missense changes on protein structure and function (PolyPhen-2) suggests that this variant is likely to be tolerated. In summary, the available evidence is currently insufficient to determine the role of this variant in disease. Therefore, it has been classified as a Variant of Uncertain Significance.

GeneDx
Classification: Uncertain significance. Last evaluated: 2024-01-23. Review status: criteria provided, single submitter. Criteria: GeneDx Variant Classification Process June 2021. Collection method: clinical testing. Allele origin: germline. Affected: yes.
Comment: Not observed at significant frequency in large population cohorts (gnomAD); In silico analysis supports that this missense variant does not alter protein structure/function; Has not been previously published as pathogenic or benign to our knowledge